The following is an entry in ClinVar:

ClinVar aggregate classification (germline): Uncertain significance (1 of 4 stars; one submission).

Submission:

GeneDx
Classification: Uncertain significance. Last evaluated: 2023-06-07. Review status: criteria provided, single submitter. Criteria: GeneDx Variant Classification Process June 2021. Collection method: clinical testing. Allele origin: germline. Affected: yes.
Comment: Not observed at significant frequency in large population cohorts (gnomAD); In silico analysis supports that this missense variant has a deleterious effect on protein structure/function; Has not been previously published as pathogenic or benign to our knowledge

NM_001205293.3(CACNA1E):c.5246C>A (p.Ala1749Glu)

Gene: CACNA1E (calcium voltage-gated channel subunit alpha1 E; plus strand). Cytogenetic location: 1q25.3.
Variant type: single nucleotide variant.
Coding change: c.5246C>A on transcript NM_001205293.3 (MANE Select); coding-DNA position 5246, C replaced by A.
Protein change: p.Ala1749Glu; replaces alanine 1749 with glutamic acid.
Molecular consequence: missense variant.
Genome position (GRCh38, 1-based): chr1:181,776,207, C>A. VCF-style: chr1-181776207-C-A. GRCh37 (hg19) VCF-style: chr1-181745343-C-A.
Other names: c.5246C>A, p.Ala1749Glu (NM_000721.4); c.5189C>A, p.Ala1730Glu (NM_001205294.2); short protein forms A1730E, A1749E.
Identifiers: ClinVar variation 3359445 (VCV003359445.1).